The following is an entry in ClinVar:

NM_017934.7(PHIP):c.30G>A (p.Glu10=)

Genes: PHIP (PHIP subunit of CUL4-Ring ligase complex; minus strand), LOC129996745 (ATAC-STARR-seq lymphoblastoid silent region 17346; plus strand). Cytogenetic location: 6q14.1.
Variant type: single nucleotide variant.
Coding change: c.30G>A on transcript NM_017934.7 (MANE Select); coding-DNA position 30, G replaced by A.
Protein change: p.Glu10=; no amino-acid change (glutamic acid 10 retained).
Molecular consequence: synonymous variant.
Genome position (GRCh38, 1-based): chr6:79,078,039, C>T on the plus strand (G>A on the coding strand, the complement: PHIP is on the minus strand). VCF-style: chr6-79078039-C-T. GRCh37 (hg19) VCF-style: chr6-79787756-C-T.
Other names: c.30G>A (NM_017934.6).
Identifiers: ClinVar variation 2185469 (VCV002185469.6), dbSNP rs761349775, ClinGen allele CA3900506.
Genomic context (GRCh38, chr6:79,078,039, plus strand): 5'-CGCGGGCGGAATCGCCCGGTGCCAGCGGCCCCGGCAGCCCCCCGACTTACCCGATCGCAG[C>T]TCCGAGAGGCCTTTCCTCTCACAAGACATGTTTATGGGTCACTTCAGGGCCGCCGACGGG-3'
Protein context (NP_060404.4, residues 1-20): MSCERKGLS[Glu10=]LRSELYFLIA

ClinVar aggregate classification (germline): Likely benign. Review status: criteria provided, single submitter (1 of 4 stars). 2 submissions from 2 submitters: Likely benign (1). 1 of the submissions does not count toward it. Last evaluated 2023-10-13.

Conditions:
PHIP-related disorder. Also called: PHIP-related condition; PHIP-related disorders.

Allele frequency attached by ClinVar (database versions not stated): gnomAD exomes below 0.00001; ExAC 0.00001; gnomAD 0.00002; TOPMed 0.00003.
gnomAD v4.1: 4 of 1,609,304 alleles (0.00025%); highest among the groups gnomAD compares: African/African-American, 0.0027%; no homozygotes.

Submissions (2):

Labcorp Genetics (formerly Invitae), Labcorp
Classification: Likely benign. Last evaluated: 2023-10-13. Review status: criteria provided, single submitter. Criteria: Invitae Variant Classification Sherloc (09022015). Collection method: clinical testing. Allele origin: germline.

PreventionGenetics, part of Exact Sciences
Classification: Likely benign for PHIP-related condition. Last evaluated: 2022-08-29. Review status: no assertion criteria provided. Collection method: clinical testing. Allele origin: germline. Not counted in ClinVar's aggregate classification.
Comment: This variant is classified as likely benign based on ACMG/AMP sequence variant interpretation guidelines (Richards et al. 2015 PMID: 25741868, with internal and published modifications).